The following is an entry in ClinVar:

NM_018127.7(ELAC2):c.291G>A (p.Glu97=)

Gene: ELAC2 (elaC ribonuclease Z 2; minus strand). Cytogenetic location: 17p12.
Variant type: single nucleotide variant.
Coding change: c.291G>A on transcript NM_018127.7 (MANE Select); coding-DNA position 291, G replaced by A.
Protein change: p.Glu97=; no amino-acid change (glutamic acid 97 retained).
Molecular consequence: synonymous variant.
Genome position (GRCh38, 1-based): chr17:13,017,076, C>T on the plus strand (G>A on the coding strand, the complement: ELAC2 is on the minus strand). VCF-style: chr17-13017076-C-T. GRCh37 (hg19) VCF-style: chr17-12920393-C-T.
Other names: c.291G>A, p.Glu97= (NM_001165962.2, NM_173717.2).
Identifiers: ClinVar variation 507945 (VCV000507945.40), dbSNP rs748123262, ClinGen allele CA8401752.
Genomic context (GRCh38, chr17:13,017,076, plus strand): 5'-TCGGCTTTCAAGCCCCGTAATCAACTCCCCCTCCGAAAGCAAGAGACTGACTCACTTGTG[C>T]TCCTGCATGAGTCTCTGAACGCCTTCTCCACAGTTGAAGAGATACCTACAAGACAAACAT-3'
Protein context (NP_060597.4, residues 87-107): CGEGVQRLMQ[Glu97=]HKLKVARLDN

ClinVar aggregate classification (germline): Likely benign. Review status: criteria provided, multiple submitters, no conflicts (2 of 4 stars). 4 submissions from 4 submitters: Likely benign (4). Last evaluated 2025-12-03.

Conditions:
Combined oxidative phosphorylation defect type 17. Also called: Combined oxidative phosphorylation deficiency 17. Identifiers: Orphanet 369913, MedGen C3809526, MONDO:0014190, OMIM 615440.

Allele frequency attached by ClinVar (database versions not stated): gnomAD 0.00014 and 0.00015; TOPMed 0.00015.
gnomAD v4.1: 338 of 1,614,000 alleles (0.021%); highest among the groups gnomAD compares: Non-Finnish European, 0.027%; no homozygotes.

Submissions (4):

Labcorp Genetics (formerly Invitae), Labcorp
Classification: Likely benign for Combined oxidative phosphorylation defect type 17. Last evaluated: 2025-12-03. Review status: criteria provided, single submitter. Criteria: Invitae Variant Classification Sherloc (09022015). Collection method: clinical testing. Allele origin: germline.

Blueprint Genetics
Classification: Likely benign. Last evaluated: 2024-06-07. Review status: criteria provided, single submitter. Criteria: ACMG Guidelines, 2015. Collection method: clinical testing. Allele origin: germline.

CeGaT Center for Human Genetics Tuebingen
Classification: Likely benign. Last evaluated: 2023-07-01. Review status: criteria provided, single submitter. Criteria: CeGaT Center For Human Genetics Tuebingen Variant Classification Criteria Version 2. Collection method: clinical testing. Allele origin: germline. Affected: yes. Observed: 2 variant alleles.
Comment: ELAC2: BP4, BP7

GeneDx
Classification: Likely benign. Last evaluated: 2020-02-26. Review status: criteria provided, single submitter. Criteria: GeneDx Variant Classification Process June 2021. Collection method: clinical testing. Allele origin: germline. Affected: yes.